The following is an entry in ClinVar:

ClinVar aggregate classification (germline): Pathogenic (1 of 4 stars; one submission).

Conditions:
Intellectual developmental disorder, autosomal dominant 1. Also called: MBD5 Haploinsufficiency; Intellectual disability, autosomal dominant 1. Identifiers: Orphanet 228402, MedGen C1969562, MONDO:0007974, OMIM 156200.

Submission:

Labcorp Genetics (formerly Invitae), Labcorp
Classification: Pathogenic for Intellectual developmental disorder, autosomal dominant 1. Last evaluated: 2022-05-29. Review status: criteria provided, single submitter. Criteria: Invitae Variant Classification Sherloc (09022015). Collection method: clinical testing. Allele origin: germline.
Comment: For these reasons, this variant has been classified as Pathogenic. This variant has not been reported in the literature in individuals affected with MBD5-related conditions. This variant is not present in population databases (gnomAD no frequency). This sequence change creates a premature translational stop signal (p.Ser1344Leufs*6) in the MBD5 gene. It is expected to result in an absent or disrupted protein product. Loss-of-function variants in MBD5 are known to be pathogenic (PMID: 23422940, 23587880).

Literature cited by the submitters: PubMed 23422940; PubMed 23587880.

NM_001378120.1(MBD5):c.4704_4728dup (p.Ser1577delinsLeuGlnTrpArgLeuTer)

Gene: MBD5 (methyl-CpG binding domain protein 5; plus strand). Cytogenetic location: 2q23.1.
Variant type: Duplication.
Coding change: c.4704_4728dup on transcript NM_001378120.1 (MANE Select); coding-DNA positions 4704 to 4728, 25 bases duplicated (TTACAATGGAGACTTTAATGCCAAA).
Protein change: p.Ser1577delinsLeuGlnTrpArgLeuTer.
Molecular consequence: nonsense.
Genome position (GRCh38, 1-based): chr2:148,490,336-148,490,360, TTACAATGGAGACTTTAATGCCAAA duplicated; duplicating any 25 consecutive bases within chr2:148,490,335-148,490,360 gives the same sequence; the c. name uses the placement nearest the transcript's 3' end. VCF-style (leftmost placement, unchanged base first): chr2-148490334-C-CATTACAATGGAGACTTTAATGCCAA. GRCh37 (hg19) VCF-style: chr2-149247903-C-CATTACAATGGAGACTTTAATGCCAA.
Other names: c.4005_4029dup, p.Ser1344delinsLeuGlnTrpArgLeuTer (NM_018328.5).
Identifiers: ClinVar variation 2000252 (VCV002000252.4), dbSNP rs2470029448, ClinGen allele CA2580064053.